The following is an entry in ClinVar:

ClinVar aggregate classification (germline): Uncertain significance (1 of 4 stars; one submission).

Conditions:
Tetralogy of Fallot (TOF). Identifiers: Orphanet 3303, MedGen C0039685, MONDO:0008542, OMIM 187500, HP:0001636.

Allele frequency attached by ClinVar (database versions not stated): ExAC 0.00001; TOPMed 0.00002; gnomAD exomes 0.00001.
gnomAD v4.1: 3 of 1,613,772 alleles (0.00019%); highest among the groups gnomAD compares: Admixed American, 0.0017%; no homozygotes.

Submission:

Baylor Genetics
Classification: Uncertain significance for Tetralogy of Fallot. Last evaluated: 2019-11-25. Review status: criteria provided, single submitter. Criteria: ACMG Guidelines, 2015. Collection method: clinical testing. Allele origin: unknown. Affected: yes.
Comment: This variant was determined to be of uncertain significance according to ACMG Guidelines, 2015 [PMID:25741868].

NM_012082.4(ZFPM2):c.2201G>A (p.Arg734His)

Genes: ZFPM2 (zinc finger protein, FOG family member 2; plus strand), ZFPM2-AS1 (ZFPM2 antisense RNA 1; minus strand), LOC126860469 (BRD4-independent group 4 enhancer GRCh37_chr8:106814445-106815644; plus strand). Cytogenetic location: 8q23.1.
Variant type: single nucleotide variant.
Coding change: c.2201G>A on transcript NM_012082.4 (MANE Select); coding-DNA position 2201, G replaced by A.
Protein change: p.Arg734His; replaces arginine 734 with histidine.
Molecular consequence: missense variant.
Genome position (GRCh38, 1-based): chr8:105,802,283, G>A. VCF-style: chr8-105802283-G-A. GRCh37 (hg19) VCF-style: chr8-106814511-G-A.
Other names: c.2042G>A, p.Arg681His (NM_001362836.2); c.1805G>A, p.Arg602His (NM_001362837.2); short protein forms R734H, R602H, R681H.
Identifiers: ClinVar variation 1030221 (VCV001030221.1), dbSNP rs750762877, ClinGen allele CA4839873.